The following is an entry in ClinVar:

NM_000361.3(THBD):c.791_801del (p.Arg264fs)

Gene: THBD (thrombomodulin; minus strand). Cytogenetic location: 20p11.21.
Variant type: Deletion.
Coding change: c.791_801del on transcript NM_000361.3 (MANE Select); coding-DNA positions 791 to 801, 11 bases deleted (GCTGCCAGTGC).
Protein change: p.Arg264fs; shifts the reading frame from arginine 264.
Molecular consequence: frameshift variant.
Genome position (GRCh38, 1-based): chr20:23,048,704-23,048,714, GCACTGGCAGC deleted on the plus strand (GCTGCCAGTGC on the coding strand, the reverse complement: THBD is on the minus strand); deleting any 11 consecutive bases within chr20:23,048,704-23,048,715 gives the same sequence; the c. name uses the placement nearest the transcript's 3' end. VCF-style (leftmost placement, unchanged base first): chr20-23048703-GGCACTGGCAGC-G. GRCh37 (hg19) VCF-style: chr20-23029340-GGCACTGGCAGC-G.
Other names: short protein forms R264fs.
Identifiers: ClinVar variation 4280347 (VCV004280347.1).
Genomic context (GRCh38, chr20:23,048,703, plus strand): 5'-AGGACTGCGTCGCGGATGCGGTGCAGGAGCGCCCGTCTGCCTGCAGGGCGGCGCCGGCTG[GGCACTGGCAGC>G]GGGGAGCCCCAGGGATCGCATTGCACGCGTGCTCGCAGCCGCCGTTCTCCACGCTGCAGT-3'

ClinVar aggregate classification (germline): Uncertain significance (1 of 4 stars; one submission).

Conditions:
Thrombomodulin-related bleeding disorder (THPH12). Also called: Thrombophilia due to thrombomodulin defect. Identifiers: Orphanet 436169, MedGen C3280976, MONDO:0013775, OMIM 614486.

Submission:

Genomenon, Inc
Classification: Uncertain significance for Thrombomodulin-related bleeding disorder. Last evaluated: 2025-09-22. Review status: criteria provided, single submitter. Criteria: Genomenon Sequence Variant Interpretation Standards - Updated. Collection method: curation. Allele origin: germline. Affected: no.
Comment: THBD p.Arg264ProfsTer61 (c.791_801del) is a frameshift variant that results in the production of a truncated protein. This variant has been reported in the published literature (PMID:11986219). It is absent or not present at a significant frequency in gnomAD. In conclusion, we classify THBD p.Arg264ProfsTer61 (c.791_801del) as a variant of unknown significance.

Literature cited by the submitters: PubMed 11986219.